The following is an entry in ClinVar:

NM_001330588.2(TPP2):c.70G>A (p.Ala24Thr)

Gene: TPP2 (tripeptidyl peptidase 2; plus strand). Cytogenetic location: 13q33.1.
Variant type: single nucleotide variant.
Coding change: c.70G>A on transcript NM_001330588.2 (MANE Select); coding-DNA position 70, G replaced by A.
Protein change: p.Ala24Thr; replaces alanine 24 with threonine.
Molecular consequence: missense variant. On other transcripts: non-coding transcript variant (1).
Genome position (GRCh38, 1-based): chr13:102,597,108, G>A. VCF-style: chr13-102597108-G-A. GRCh37 (hg19) VCF-style: chr13-103249458-G-A.
Other names: c.70G>A, p.Ala24Thr (NM_001367947.1, NM_003291.4); short protein forms A24T.
Identifiers: ClinVar variation 1964407 (VCV001964407.5), dbSNP rs368060688, ClinGen allele CA388676576.

ClinVar aggregate classification (germline): Uncertain significance (1 of 4 stars; one submission).

Conditions:
Evans syndrome, immunodeficiency, and premature immunosenescence associated with tripeptidyl-peptidase II deficiency. Identifiers: MedGen CN231723. Disease mechanism: loss of function.

Submission:

Labcorp Genetics (formerly Invitae), Labcorp
Classification: Uncertain significance for Evans syndrome, immunodeficiency, and premature immunosenescence associated with tripeptidyl-peptidase II deficiency. Last evaluated: 2022-09-02. Review status: criteria provided, single submitter. Criteria: Invitae Variant Classification Sherloc (09022015). Collection method: clinical testing. Allele origin: germline.
Comment: This sequence change replaces alanine, which is neutral and non-polar, with threonine, which is neutral and polar, at codon 24 of the TPP2 protein (p.Ala24Thr). This variant is not present in population databases (gnomAD no frequency). This variant has not been reported in the literature in individuals affected with TPP2-related conditions. Algorithms developed to predict the effect of missense changes on protein structure and function (SIFT, PolyPhen-2, Align-GVGD) all suggest that this variant is likely to be tolerated. In summary, the available evidence is currently insufficient to determine the role of this variant in disease. Therefore, it has been classified as a Variant of Uncertain Significance.